The following is an entry in ClinVar:

ClinVar aggregate classification (germline): Uncertain significance. Review status: criteria provided, single submitter (1 of 4 stars). 2 submissions from 2 submitters: Uncertain significance (1). 1 of the submissions does not count toward it. Last evaluated 2019-07-08.

Conditions:
BLTP1-related disorder. Also called: BLTP1-related condition.

Allele frequency attached by ClinVar (database versions not stated): gnomAD 0.00007 and 0.00009; gnomAD exomes 0.00010 and 0.00054; TOPMed 0.00022; ExAC 0.00046.
gnomAD v4.1: 152 of 1,613,494 alleles (0.0094%); highest among the groups gnomAD compares: Admixed American, 0.25%; no homozygotes.

Submissions (2):

GeneDx
Classification: Uncertain significance. Last evaluated: 2019-07-08. Review status: criteria provided, single submitter. Criteria: GeneDx Variant Classification Process June 2021. Collection method: clinical testing. Allele origin: germline. Affected: yes.
Comment: In silico analysis, which includes protein predictors and evolutionary conservation, supports that this variant does not alter protein structure/function; Has not been previously published as pathogenic or benign to our knowledge

PreventionGenetics, part of Exact Sciences
Classification: Likely benign for BLTP1-related condition. Last evaluated: 2022-07-15. Review status: no assertion criteria provided. Collection method: clinical testing. Allele origin: germline. Not counted in ClinVar's aggregate classification.
Comment: This variant is classified as likely benign based on ACMG/AMP sequence variant interpretation guidelines (Richards et al. 2015 PMID: 25741868, with internal and published modifications).

NM_001384125.1(BLTP1):c.13162A>G (p.Ile4388Val)

Gene: BLTP1 (bridge-like lipid transfer protein family member 1; plus strand). Cytogenetic location: 4q27.
Variant type: single nucleotide variant.
Coding change: c.13162A>G on transcript NM_001384125.1 (MANE Select); coding-DNA position 13162, A replaced by G.
Protein change: p.Ile4388Val; replaces isoleucine 4388 with valine.
Molecular consequence: missense variant.
Genome position (GRCh38, 1-based): chr4:122,347,548, A>G. VCF-style: chr4-122347548-A-G. GRCh37 (hg19) VCF-style: chr4-123268703-A-G.
Other names: c.12898A>G, p.Ile4300Val (NM_015312.4); short protein forms I4300V, I4388V.
Identifiers: ClinVar variation 1306950 (VCV001306950.4), dbSNP rs201342483, ClinGen allele CA3068110.